The following is an entry in ClinVar:

NM_000368.5(TSC1):c.3292A>C (p.Asn1098His)

Gene: TSC1 (TSC complex subunit 1; minus strand). Cytogenetic location: 9q34.13.
Variant type: single nucleotide variant.
Coding change: c.3292A>C on transcript NM_000368.5 (MANE Select); coding-DNA position 3292, A replaced by C.
Protein change: p.Asn1098His; replaces asparagine 1098 with histidine.
Molecular consequence: missense variant.
Genome position (GRCh38, 1-based): chr9:132,896,438, T>G on the plus strand (A>C on the coding strand, the complement: TSC1 is on the minus strand). VCF-style: chr9-132896438-T-G. GRCh37 (hg19) VCF-style: chr9-135771825-T-G.
Other names: c.3289A>C, p.Asn1097His (NM_001162426.2); c.3139A>C, p.Asn1047His (NM_001162427.2); c.2929A>C, p.Asn977His (NM_001362177.2); short protein forms N1047H, N1097H, N1098H, N977H.
Identifiers: ClinVar variation 961280 (VCV000961280.10), dbSNP rs1845048359, ClinGen allele CA375366704.

ClinVar aggregate classification (germline): Uncertain significance. Review status: criteria provided, multiple submitters, no conflicts (2 of 4 stars). 2 submissions from 2 submitters: Uncertain significance (2). Last evaluated 2024-06-22.

Conditions:
Tuberous sclerosis 1 (TSC1). Identifiers: Orphanet 805, MedGen C1854465, MONDO:0008612, OMIM 191100.
Hereditary cancer-predisposing syndrome. Also called: Hereditary neoplastic syndrome; Tumor predisposition; Neoplastic Syndromes, Hereditary; Hereditary Cancer Syndrome. Identifiers: Orphanet 140162, MedGen C0027672, MeSH D009386, MONDO:0015356.

Submissions (2):

Ambry Genetics
Classification: Uncertain significance for Hereditary cancer-predisposing syndrome. Last evaluated: 2024-06-22. Review status: criteria provided, single submitter. Criteria: Ambry Variant Classification Scheme 2023. Collection method: clinical testing. Allele origin: germline.
Comment: The p.N1098H variant (also known as c.3292A>C), located in coding exon 21 of the TSC1 gene, results from an A to C substitution at nucleotide position 3292. The asparagine at codon 1098 is replaced by histidine, an amino acid with similar properties. This amino acid position is conserved. In addition, the in silico prediction for this alteration is inconclusive. Based on the available evidence, the clinical significance of this variant remains unclear.

Labcorp Genetics (formerly Invitae), Labcorp
Classification: Uncertain significance for Tuberous sclerosis 1. Last evaluated: 2019-09-25. Review status: criteria provided, single submitter. Criteria: Invitae Variant Classification Sherloc (09022015). Collection method: clinical testing. Allele origin: germline.
Comment: This sequence change replaces asparagine with histidine at codon 1098 of the TSC1 protein (p.Asn1098His). The asparagine residue is highly conserved and there is a small physicochemical difference between asparagine and histidine. In summary, the available evidence is currently insufficient to determine the role of this variant in disease. Therefore, it has been classified as a Variant of Uncertain Significance. Algorithms developed to predict the effect of missense changes on protein structure and function are either unavailable or do not agree on the potential impact of this missense change (SIFT: "Deleterious"; PolyPhen-2: "Benign"; Align-GVGD: "Class C0"). This variant has not been reported in the literature in individuals with TSC1-related conditions. This variant is not present in population databases (ExAC no frequency).